The following is an entry in ClinVar:

ClinVar aggregate classification (germline): Uncertain significance (1 of 4 stars; one submission).

Conditions:
Bethlem myopathy 1A. Also called: Bethlem myopathy 1; Bethlem Muscular Dystrophy; MYOPATHY, BENIGN CONGENITAL, WITH CONTRACTURES. Identifiers: Orphanet 610, MedGen CN029274, MONDO:0024530, OMIM 158810.

Allele frequency attached by ClinVar (database versions not stated): gnomAD exomes below 0.00001.
gnomAD v4.1: 1 of 1,614,136 alleles (0.000062%); highest among the groups gnomAD compares: Non-Finnish European, 0.000085%; no homozygotes.

Submission:

Labcorp Genetics (formerly Invitae), Labcorp
Classification: Uncertain significance for Bethlem myopathy 1A. Last evaluated: 2021-03-10. Review status: criteria provided, single submitter. Criteria: Invitae Variant Classification Sherloc (09022015). Collection method: clinical testing. Allele origin: germline.
Comment: In summary, the available evidence is currently insufficient to determine the role of this variant in disease. Therefore, it has been classified as a Variant of Uncertain Significance. This sequence change replaces lysine with asparagine at codon 1861 of the COL6A3 protein (p.Lys1861Asn). The lysine residue is moderately conserved and there is a moderate physicochemical difference between lysine and asparagine. This variant is not present in population databases (ExAC no frequency). This variant has not been reported in the literature in individuals with COL6A3-related conditions. Advanced modeling of protein sequence and biophysical properties (such as structural, functional, and spatial information, amino acid conservation, physicochemical variation, residue mobility, and thermodynamic stability) performed at Invitae indicates that this missense variant is not expected to disrupt COL6A3 protein function.

NM_004369.4(COL6A3):c.5583G>T (p.Lys1861Asn)

Gene: COL6A3 (collagen type VI alpha 3 chain; minus strand). Cytogenetic location: 2q37.3.
Variant type: single nucleotide variant.
Coding change: c.5583G>T on transcript NM_004369.4 (MANE Select); coding-DNA position 5583, G replaced by T.
Protein change: p.Lys1861Asn; replaces lysine 1861 with asparagine.
Molecular consequence: missense variant.
Genome position (GRCh38, 1-based): chr2:237,365,953, C>A on the plus strand (G>T on the coding strand, the complement: COL6A3 is on the minus strand). VCF-style: chr2-237365953-C-A. GRCh37 (hg19) VCF-style: chr2-238274596-C-A.
Other names: c.3762G>T, p.Lys1254Asn (NM_057166.5); c.4965G>T, p.Lys1655Asn (NM_057167.4); short protein forms K1254N, K1655N, K1861N.
Identifiers: ClinVar variation 1378210 (VCV001378210.8), dbSNP rs906293407, ClinGen allele CA351186205.